The following is an entry in ClinVar:

NM_005751.5(AKAP9):c.844C>T (p.His282Tyr)

Gene: AKAP9 (A-kinase anchoring protein 9; plus strand). Cytogenetic location: 7q21.2.
Variant type: single nucleotide variant.
Coding change: c.844C>T on transcript NM_005751.5 (MANE Select); coding-DNA position 844, C replaced by T.
Protein change: p.His282Tyr; replaces histidine 282 with tyrosine.
Molecular consequence: missense variant.
Genome position (GRCh38, 1-based): chr7:91,995,714, C>T. VCF-style: chr7-91995714-C-T. GRCh37 (hg19) VCF-style: chr7-91625028-C-T.
Other names: c.844C>T, p.His282Tyr (NM_147185.3); short protein forms H282Y.
Identifiers: ClinVar variation 3282198 (VCV003282198.1).

ClinVar aggregate classification (germline): Uncertain significance (1 of 4 stars; one submission).

Conditions:
Cardiovascular phenotype. Identifiers: MedGen CN230736.

Submission:

Ambry Genetics
Classification: Uncertain significance for Cardiovascular phenotype. Last evaluated: 2024-06-14. Review status: criteria provided, single submitter. Criteria: Ambry Variant Classification Scheme 2023. Collection method: clinical testing. Allele origin: germline.
Comment: The p.H282Y variant (also known as c.844C>T), located in coding exon 7 of the AKAP9 gene, results from a C to T substitution at nucleotide position 844. The histidine at codon 282 is replaced by tyrosine, an amino acid with similar properties. This amino acid position is conserved. In addition, this alteration is predicted to be tolerated by in silico analysis. Based on the available evidence, the clinical significance of this variant remains unclear.